The following is an entry in ClinVar:

NM_001008537.3(NEXMIF):c.995A>G (p.Asp332Gly)

Gene: NEXMIF (neurite extension and migration factor; minus strand). Cytogenetic location: Xq13.3.
Variant type: single nucleotide variant.
Coding change: c.995A>G on transcript NM_001008537.3 (MANE Select); coding-DNA position 995, A replaced by G.
Protein change: p.Asp332Gly; replaces aspartic acid 332 with glycine.
Molecular consequence: missense variant.
Genome position (GRCh38, 1-based): chrX:74,743,562, T>C on the plus strand (A>G on the coding strand, the complement: NEXMIF is on the minus strand). VCF-style: chrX-74743562-T-C. GRCh37 (hg19) VCF-style: chrX-73963397-T-C.
Other names: short protein forms D332G.
Identifiers: ClinVar variation 1473242 (VCV001473242.8), dbSNP rs2147441298, ClinGen allele CA413671894.
Genomic context (GRCh38, chrX:74,743,562, plus strand): 5'-CTCTTAGACTCTCGCTTGGGGCAGGTAGTAAAGACGCTGGGAAAAAAGTTGAATTGGGCA[T>C]CTTCCTGCATCAAAAGAGTAGTCTTGTCTCGAACATTGTCCTGAAAGGATTCATATCGAA-3'
Protein context (NP_001008537.1, residues 322-342): RDKTTLLMQE[Asp332Gly]AQFNFFPSVF

ClinVar aggregate classification (germline): Uncertain significance (1 of 4 stars; one submission).

Allele frequency attached by ClinVar (database versions not stated): gnomAD exomes below 0.00001.
gnomAD v4.1: 1 of 1,211,502 alleles (0.000083%); highest among the groups gnomAD compares: African/African-American, 0.0017%; no homozygotes.

Submission:

Labcorp Genetics (formerly Invitae), Labcorp
Classification: Uncertain significance. Last evaluated: 2022-06-03. Review status: criteria provided, single submitter. Criteria: Invitae Variant Classification Sherloc (09022015). Collection method: clinical testing. Allele origin: germline.
Comment: In summary, the available evidence is currently insufficient to determine the role of this variant in disease. Therefore, it has been classified as a Variant of Uncertain Significance. Algorithms developed to predict the effect of sequence changes on RNA splicing suggest that this variant may create or strengthen a splice site. Algorithms developed to predict the effect of missense changes on protein structure and function (SIFT, PolyPhen-2, Align-GVGD) all suggest that this variant is likely to be disruptive. ClinVar contains an entry for this variant (Variation ID: 1473242). This variant has not been reported in the literature in individuals affected with NEXMIF-related conditions. This variant is not present in population databases (gnomAD no frequency). This sequence change replaces aspartic acid, which is acidic and polar, with glycine, which is neutral and non-polar, at codon 332 of the NEXMIF protein (p.Asp332Gly).